The following is an entry in ClinVar:

ClinVar aggregate classification (germline): Likely benign. Review status: criteria provided, multiple submitters, no conflicts (2 of 4 stars). 2 submissions from 2 submitters: Likely benign (2). Last evaluated 2024-10-22.

Allele frequency attached by ClinVar (database versions not stated): gnomAD 0.00001; gnomAD exomes 0.00001; TOPMed 0.00002.
gnomAD v4.1: 19 of 1,614,038 alleles (0.0012%); highest among the groups gnomAD compares: Non-Finnish European, 0.0016%; no homozygotes.

Submissions (2):

Labcorp Genetics (formerly Invitae), Labcorp
Classification: Likely benign. Last evaluated: 2024-10-22. Review status: criteria provided, single submitter. Criteria: Invitae Variant Classification Sherloc (09022015). Collection method: clinical testing. Allele origin: germline.

CeGaT Center for Human Genetics Tuebingen
Classification: Likely benign. Last evaluated: 2024-03-01. Review status: criteria provided, single submitter. Criteria: CeGaT Center For Human Genetics Tuebingen Variant Classification Criteria Version 2. Collection method: clinical testing. Allele origin: germline. Affected: yes. Observed: 1 variant allele.
Comment: DEAF1: BP4, BP7

NM_021008.4(DEAF1):c.1242A>G (p.Ser414=)

Gene: DEAF1 (DEAF1 transcription factor; minus strand). Cytogenetic location: 11p15.5.
Variant type: single nucleotide variant.
Coding change: c.1242A>G on transcript NM_021008.4 (MANE Select); coding-DNA position 1242, A replaced by G.
Protein change: p.Ser414=; no amino-acid change (serine 414 retained).
Molecular consequence: synonymous variant.
Genome position (GRCh38, 1-based): chr11:678,707, T>C on the plus strand (A>G on the coding strand, the complement: DEAF1 is on the minus strand). VCF-style: chr11-678707-T-C. GRCh37 (hg19) VCF-style: chr11-678707-T-C.
Other names: c.975A>G, p.Ser325= (NM_001293634.2); c.516A>G, p.Ser172= (NM_001367390.1).
Identifiers: ClinVar variation 1603646 (VCV001603646.29), dbSNP rs1031046120, ClinGen allele CA216903036.
Genomic context (GRCh38, chr11:678,707, plus strand): 5'-ATTCTGAGGACAATAACCTGTACATGTGTGAATTCTTTCAAACCTACCTATTTTGGGATG[T>C]GACGTTGGCAACGCAGCTTCTGGAAACGGTGCGATCTGGCAGCTGTCCTGATAGCCGGGG-3'
Protein context (NP_066288.2, residues 404-424): APFPEAALPT[Ser414=]HPKIVLTSLP